The following is an entry in ClinVar:

ClinVar aggregate classification (germline): Pathogenic/Likely pathogenic. Review status: criteria provided, multiple submitters, no conflicts (2 of 4 stars). 2 submissions from 2 submitters: Pathogenic (1); Likely pathogenic (1). Last evaluated 2024-05-07.

Conditions:
Hermansky-Pudlak syndrome 3 (HPS3). Identifiers: Orphanet 231512, Orphanet 79430, MedGen C3888001, MONDO:0013555, OMIM 614072.

Submissions (2):

Fulgent Genetics
Classification: Likely pathogenic for Hermansky-Pudlak syndrome 3. Last evaluated: 2024-05-07. Review status: criteria provided, single submitter. Criteria: ACMG Guidelines, 2015. Collection method: clinical testing. Allele origin: germline.

Labcorp Genetics (formerly Invitae), Labcorp
Classification: Pathogenic. Last evaluated: 2022-03-09. Review status: criteria provided, single submitter. Criteria: Invitae Variant Classification Sherloc (09022015). Collection method: clinical testing. Allele origin: germline.
Comment: This variant has not been reported in the literature in individuals affected with HPS3-related conditions. For these reasons, this variant has been classified as Pathogenic. This variant is present in population databases (rs772860370, gnomAD 0.0009%). This sequence change creates a premature translational stop signal (p.Leu132Profs*9) in the HPS3 gene. It is expected to result in an absent or disrupted protein product. Loss-of-function variants in HPS3 are known to be pathogenic (PMID: 11590544).

Literature cited by the submitters: PubMed 11590544 (cited by Labcorp Genetics (formerly Invitae), Labcorp).

NM_032383.5(HPS3):c.395_407del (p.Leu132fs)

Gene: HPS3 (HPS3 biogenesis of lysosomal organelles complex 2 subunit 1; plus strand). Cytogenetic location: 3q24.
Variant type: Deletion.
Coding change: c.395_407del on transcript NM_032383.5 (MANE Select); coding-DNA positions 395 to 407, 13 bases deleted (TTTCGGAGGCCCC).
Protein change: p.Leu132fs; shifts the reading frame from leucine 132.
Molecular consequence: frameshift variant. On other transcripts: intron variant (1).
Genome position (GRCh38, 1-based): chr3:149,140,181-149,140,193, TTTCGGAGGCCCC deleted; deleting any 13 consecutive bases within chr3:149,140,180-149,140,193 gives the same sequence; the c. name uses the placement nearest the transcript's 3' end. VCF-style (leftmost placement, unchanged base first): chr3-149140179-GCTTTCGGAGGCCC-G. GRCh37 (hg19) VCF-style: chr3-148857966-GCTTTCGGAGGCCC-G.
Other names: c.218-836_218-824del (NM_001308258.2); short protein forms L132fs.
Identifiers: ClinVar variation 1931731 (VCV001931731.6), dbSNP rs772860370, ClinGen allele CA2659789.